The following is an entry in ClinVar:

ClinVar aggregate classification (germline): Conflicting classifications of pathogenicity. Review status: criteria provided, conflicting classifications (1 of 4 stars). 11 submissions from 11 submitters: Uncertain significance (6); Likely benign (5). Last evaluated 2026-02-11.

Conditions:
APC-related disorder. Also called: APC-related condition.
Hereditary cancer-predisposing syndrome. Also called: Neoplastic Syndromes, Hereditary; Tumor predisposition; Hereditary Cancer Syndrome; Hereditary neoplastic syndrome. Identifiers: Orphanet 140162, MedGen C0027672, MeSH D009386, MONDO:0015356.
Familial adenomatous polyposis 1 (FAP1). Also called: FAMILIAL ADENOMATOUS POLYPOSIS 1, ATTENUATED; POLYPOSIS, ADENOMATOUS INTESTINAL. Identifiers: MedGen C2713442, MONDO:0021056, OMIM 175100. Disease mechanism: loss of function.

Allele frequency attached by ClinVar (database versions not stated): gnomAD exomes 0.00003; ESP Exome Variant Server 0.00008; 1000 Genomes Project 0.00020; 1000 Genomes Project 30x 0.00031; gnomAD 0.00001 and 0.00002; ExAC 0.00002; TOPMed 0.00002.
gnomAD v4.1: 42 of 1,614,144 alleles (0.0026%); highest among the groups gnomAD compares: Admixed American, 0.0083%; no homozygotes.

Submissions (11):

Women's Health and Genetics/Laboratory Corporation of America, LabCorp
Classification: Uncertain significance. Last evaluated: 2026-02-11. Review status: criteria provided, single submitter. Criteria: LabCorp Variant Classification Summary - May 2015. Collection method: clinical testing. Allele origin: germline.
Comment: Variant summary: APC c.3323A>G (p.Asn1108Ser) results in a conservative amino acid change in the encoded protein sequence. Algorithms developed to predict the effect of missense changes on protein structure and function all suggest that this variant is likely to be tolerated. The variant allele was found at a frequency of 3.2e-05 in 250464 control chromosomes. The available data on variant occurrences in the general population are insufficient to allow any conclusion about variant significance. c.3323A>G has been reported in the literature in one individual affected with Lynch syndrome-associated cancer and/or colorectal polyps and one individual affected with pancreatic cancer (Yurgelun_2015, Chaffee_2017). These report(s) do not provide unequivocal conclusions about association of the variant with Familial Adenomatous Polyposis. To our knowledge, no experimental evidence demonstrating an impact on protein function has been reported. The following publications have been ascertained in the context of this evaluation (PMID: 28726808, 27930734, 25980754). ClinVar contains an entry for this variant (Variation ID: 220743). Based on the evidence outlined above, the variant was classified as uncertain significance.

Labcorp Genetics (formerly Invitae), Labcorp
Classification: Likely benign for Familial adenomatous polyposis 1. Last evaluated: 2026-01-12. Review status: criteria provided, single submitter. Criteria: Invitae Variant Classification Sherloc (09022015). Collection method: clinical testing. Allele origin: germline.

PreventionGenetics, part of Exact Sciences
Classification: Likely benign for APC-related condition. Last evaluated: 2025-11-12. Review status: criteria provided, single submitter. Criteria: ACMG Guidelines, 2015. Collection method: clinical testing. Allele origin: germline.
Comment: This variant is classified as likely benign based on ACMG/AMP sequence variant interpretation guidelines (Richards et al. 2015 PMID: 25741868, with internal and published modifications).

Quest Diagnostics Nichols Institute San Juan Capistrano
Classification: Uncertain significance. Last evaluated: 2025-04-11. Review status: criteria provided, single submitter. Criteria: Quest Diagnostics criteria. Collection method: clinical testing. Allele origin: unknown.
Comment: The APC c.3323A>G (p.Asn1108Ser) variant has been reported in the published literature in an individual with suspected Lynch syndrome (PMID: 25980754 (2015)) and in an affected individual with pancreatic cancer (PMID: 28726808 (2018)). The frequency of this variant in the general population (Genome Aggregation Database) is higher than would generally be expected for pathogenic variants in this gene. Analysis of this variant using bioinformatics tools for the prediction of the effect of amino acid changes on protein structure and function yielded predictions that this variant is benign. Based on the available information, we are unable to determine the clinical significance of this variant.

Center for Genomic Medicine, Rigshospitalet, Copenhagen University Hospital
Classification: Likely benign. Last evaluated: 2025-03-04. Review status: criteria provided, single submitter. Criteria: ACMG Guidelines, 2015. Collection method: clinical testing. Allele origin: germline.

Color Diagnostics, LLC DBA Color Health
Classification: Likely benign for Hereditary cancer-predisposing syndrome. Last evaluated: 2024-09-24. Review status: criteria provided, single submitter. Criteria: ACMG Guidelines, 2015. Collection method: clinical testing. Allele origin: germline.

GeneDx
Classification: Uncertain significance. Last evaluated: 2023-12-13. Review status: criteria provided, single submitter. Criteria: GeneDx Variant Classification Process June 2021. Collection method: clinical testing. Allele origin: germline. Affected: yes.
Comment: In silico analysis supports that this missense variant does not alter protein structure/function; Observed in individuals with pancreatic and other cancers/polyps (PMID: 25980754, 28726808); This variant is associated with the following publications: (PMID: 25980754, 27930734, 28576136, 28726808, 18199528)

Sema4
Classification: Uncertain significance for Hereditary cancer-predisposing syndrome. Last evaluated: 2022-01-21. Review status: criteria provided, single submitter. Criteria: Sema4 Curation Guidelines. Collection method: curation. Allele origin: germline.
Comment: The APC c.3323A>G (p.N1108S) variant has been reported in heterozygosity in at least one individual with pancreatic cancer and at least one individual with Lynch syndrome-associated cancer and/or colorectal polyps (PMID: 25980754, 28726808). It was observed in 3/35398 chromosomes in the Latino subpopulation in the large and broad cohorts of the Genome Aggregation Database (PMID: 32461654). This variant has been reported in ClinVar (Variation ID:220743). Functional studies have not been performed, and in silico predictions of the variant's effect on protein function are inconclusive. The evidence is insufficient to meet ACMG/AMP criteria for classifying the variant as benign or pathogenic. Thus, the clinical significance of this variant is currently uncertain.

Institute for Clinical Genetics, University Hospital TU Dresden, University Hospital TU Dresden
Classification: Uncertain significance. Last evaluated: 2021-11-03. Review status: criteria provided, single submitter. Criteria: ACMG Guidelines, 2015. Collection method: clinical testing. Allele origin: germline.

Genetic Services Laboratory, University of Chicago
Classification: Uncertain significance. Last evaluated: 2021-10-08. Review status: criteria provided, single submitter. Criteria: ACMG Guidelines, 2015. Collection method: clinical testing. Allele origin: germline. Affected: no.
Comment: DNA sequence analysis of the APC gene demonstrated a sequence change, c.3323A>G, in exon 16 that results in an amino acid change, p.Asn1108Ser. This sequence change does not appear to have been previously described in individuals with APC-related disorders. This sequence change has been described in the gnomAD database with a frequency of 0.0085% in the Latino/Admixed American subpopulation (dbSNP rs151286353). The p.Asn1108Ser change affects a moderately conserved amino acid residue located in a domain of the APC protein that is not known to be functional. The p.Asn1108Ser substitution appears to be benign using several in-silico pathogenicity prediction tools (SIFT, PolyPhen2, Align GVGD, REVEL). Due to insufficient evidence and the lack of functional studies, the clinical significance of the p.Asn1108Ser change remains unknown at this time.

Ambry Genetics
Classification: Likely benign for Hereditary cancer-predisposing syndrome. Last evaluated: 2018-12-31. Review status: criteria provided, single submitter. Criteria: Ambry Variant Classification Scheme 2023. Collection method: clinical testing. Allele origin: germline.

Literature cited by the submitters: PubMed 25980754 (cited by 4 submitters); PubMed 27930734 (cited by Women's Health and Genetics/Laboratory Corporation of America, LabCorp); PubMed 28726808 (cited by 3 submitters); PubMed 28576136 (cited by Quest Diagnostics Nichols Institute San Juan Capistrano); PubMed 39643631 (cited by Quest Diagnostics Nichols Institute San Juan Capistrano); PubMed 39284955 (cited by Quest Diagnostics Nichols Institute San Juan Capistrano); PubMed 36179682 (cited by Quest Diagnostics Nichols Institute San Juan Capistrano).

NM_000038.6(APC):c.3323A>G (p.Asn1108Ser)

Gene: APC (APC regulator of Wnt signaling pathway; plus strand). Cytogenetic location: 5q22.2.
Variant type: single nucleotide variant.
Coding change: c.3323A>G on transcript NM_000038.6 (MANE Select); coding-DNA position 3323, A replaced by G.
Protein change: p.Asn1108Ser; replaces asparagine 1108 with serine.
Molecular consequence: missense variant.
Genome position (GRCh38, 1-based): chr5:112,838,917, A>G. VCF-style: chr5-112838917-A-G. GRCh37 (hg19) VCF-style: chr5-112174614-A-G.
Other names: c.3323A>G, p.Asn1108Ser (NM_001127510.3, NM_001354895.2); c.3269A>G, p.Asn1090Ser (NM_001127511.3); c.3377A>G, p.Asn1126Ser (NM_001354896.2); c.3353A>G, p.Asn1118Ser (NM_001354897.2); c.3248A>G, p.Asn1083Ser (NM_001354898.2); c.3239A>G, p.Asn1080Ser (NM_001354899.2); c.3200A>G, p.Asn1067Ser (NM_001354900.2); c.3146A>G, p.Asn1049Ser (NM_001354901.2); and 5 more; short protein forms N1090S, N1108S, N1007S, N1017S, N1080S, N1126S, N1067S, N825S.
Identifiers: ClinVar variation 220743 (VCV000220743.36), dbSNP rs151286353, ClinGen allele CA035035.
Genomic context (GRCh38, chr5:112,838,917, plus strand): 5'-AGTTCCAACCACATTTTGGACAGCAGGAATGTGTTTCTCCATACAGGTCACGGGGAGCCA[A>G]TGGTTCAGAAACAAATCGAGTGGGTTCTAATCATGGAATTAATCAAAATGTAAGCCAGTC-3'
Protein context (NP_000029.2, residues 1098-1118): CVSPYRSRGA[Asn1108Ser]GSETNRVGSN